The following is an entry in ClinVar:

NM_000275.3(OCA2):c.1922C>T (p.Ser641Leu)

Gene: OCA2 (OCA2 melanosomal transmembrane protein; minus strand). Cytogenetic location: 15q13.1.
Variant type: single nucleotide variant.
Coding change: c.1922C>T on transcript NM_000275.3 (MANE Select); coding-DNA position 1922, C replaced by T.
Protein change: p.Ser641Leu; replaces serine 641 with leucine.
Molecular consequence: missense variant.
Genome position (GRCh38, 1-based): chr15:27,951,813, G>A on the plus strand (C>T on the coding strand, the complement: OCA2 is on the minus strand). VCF-style: chr15-27951813-G-A. GRCh37 (hg19) VCF-style: chr15-28196959-G-A.
Other names: c.1850C>T, p.Ser617Leu (NM_001300984.2); short protein forms S641L, S617L.
Identifiers: ClinVar variation 617807 (VCV000617807.9), dbSNP rs868238523, ClinGen allele CA267879942.

ClinVar aggregate classification (germline): Conflicting classifications of pathogenicity. Review status: criteria provided, conflicting classifications (1 of 4 stars). 5 submissions from 5 submitters: Pathogenic (2); Likely pathogenic (1); Uncertain significance (1). 1 of the submissions does not count toward it. Last evaluated 2025-06-16.

Conditions:
OCA2-related disorder. Also called: OCA2-related condition.
Nonsyndromic Oculocutaneous Albinism.
SKIN/HAIR/EYE PIGMENTATION 1, BLUE/NONBLUE EYES (SHEP1). Also called: BROWN EYE COLOR 2; EYE COLOR 3; EYE COLOR, BLUE/NONBLUE; EYE COLOR, BROWN/BLUE; HAIR COLOR 3; SKIN/HAIR/EYE PIGMENTATION 1, BLOND/BROWN HAIR. Identifiers: MedGen C1856895, OMIM 227220.

Allele frequency attached by ClinVar (database versions not stated): gnomAD exomes below 0.00001.
gnomAD v4.1: 8 of 1,613,386 alleles (0.0005%); highest among the groups gnomAD compares: East Asian, 0.0022%; no homozygotes.

Submissions (5):

Labcorp Genetics (formerly Invitae), Labcorp
Classification: Likely pathogenic. Last evaluated: 2025-06-16. Review status: criteria provided, single submitter. Criteria: Invitae Variant Classification Sherloc (09022015). Collection method: clinical testing. Allele origin: germline.
Comment: This sequence change replaces serine, which is neutral and polar, with leucine, which is neutral and non-polar, at codon 641 of the OCA2 protein (p.Ser641Leu). This variant is present in population databases (no rsID available, gnomAD 0.0009%). This missense change has been observed in individual(s) with oculocutaneous albinism (PMID: 28266639, 29345414; internal data). In at least one individual the data is consistent with being in trans (on the opposite chromosome) from a pathogenic variant. ClinVar contains an entry for this variant (Variation ID: 617807). Invitae Evidence Modeling of protein sequence and biophysical properties (such as structural, functional, and spatial information, amino acid conservation, physicochemical variation, residue mobility, and thermodynamic stability) indicates that this missense variant is not expected to disrupt OCA2 protein function with a negative predictive value of 80%. In summary, the currently available evidence indicates that the variant is pathogenic, but additional data are needed to prove that conclusively. Therefore, this variant has been classified as Likely Pathogenic.

Baylor Genetics
Classification: Pathogenic for SKIN/HAIR/EYE PIGMENTATION 1, BLUE/NONBLUE EYES. Last evaluated: 2024-03-27. Review status: criteria provided, single submitter. Criteria: ACMG Guidelines, 2015. Collection method: clinical testing. Allele origin: unknown.

Blueprint Genetics
Classification: Pathogenic for OCA2-related disorders. Last evaluated: 2022-01-31. Review status: criteria provided, single submitter. Criteria: ACMG Guidelines, 2015. Collection method: clinical testing. Allele origin: germline. Affected: yes. Observed: 3 variant alleles.

Revvity Omics, Revvity
Classification: Uncertain significance. Last evaluated: 2021-04-27. Review status: criteria provided, single submitter. Criteria: ACMG Guidelines, 2015. Collection method: clinical testing. Allele origin: germline.

University of Washington Center for Mendelian Genomics, University of Washington
Classification: Likely pathogenic for Nonsyndromic Oculocutaneous Albinism. Last evaluated: 2017-03-07. Review status: no assertion criteria provided. Collection method: research. Allele origin: unknown. Affected: yes. Observed: 1 homozygote. Not counted in ClinVar's aggregate classification.

Literature cited by the submitters: PubMed 28266639 (cited by Labcorp Genetics (formerly Invitae), Labcorp and University of Washington Center for Mendelian Genomics, University of Washington); PubMed 29345414 (cited by Labcorp Genetics (formerly Invitae), Labcorp).